The following is an entry in ClinVar:

NM_022168.4(IFIH1):c.1376G>A (p.Arg459Lys)

Gene: IFIH1 (interferon induced with helicase C domain 1; minus strand). Cytogenetic location: 2q24.2.
Variant type: single nucleotide variant.
Coding change: c.1376G>A on transcript NM_022168.4 (MANE Select); coding-DNA position 1376, G replaced by A.
Protein change: p.Arg459Lys; replaces arginine 459 with lysine.
Molecular consequence: missense variant.
Genome position (GRCh38, 1-based): chr2:162,281,476, C>T on the plus strand (G>A on the coding strand, the complement: IFIH1 is on the minus strand). VCF-style: chr2-162281476-C-T. GRCh37 (hg19) VCF-style: chr2-163137986-C-T.
Other names: short protein forms R459K.
Identifiers: ClinVar variation 1437073 (VCV001437073.9), dbSNP rs1031540879, ClinGen allele CA59664928.

ClinVar aggregate classification (germline): Conflicting classifications of pathogenicity. Review status: criteria provided, conflicting classifications (1 of 4 stars). 2 submissions from 2 submitters: Uncertain significance (1); Likely benign (1). Last evaluated 2025-08-04.

Conditions:
Singleton-Merten syndrome 1 (SGMRT1). Also called: Widened medullary cavities of bone, aortic calcification, abnormal dentition, and muscular weakness; Syndrome of widened medullary cavities of the metacarpals and phalanges, aortic calcification and abnormal dentition. Identifiers: Orphanet 85191, MedGen C4225427, MONDO:0024535, OMIM 182250.
Aicardi-Goutieres syndrome 7 (AGS7). Identifiers: Orphanet 51, MedGen C3888244, MONDO:0014367, OMIM 615846.

Allele frequency attached by ClinVar (database versions not stated): gnomAD 0.00001; TOPMed 0.00001; gnomAD exomes 0.00004.
gnomAD v4.1: 52 of 1,612,018 alleles (0.0032%); highest among the groups gnomAD compares: Non-Finnish European, 0.0042%; no homozygotes.

Submissions (2):

Labcorp Genetics (formerly Invitae), Labcorp
Classification: Uncertain significance for Aicardi-Goutieres syndrome 7; Singleton-Merten syndrome 1. Last evaluated: 2025-08-04. Review status: criteria provided, single submitter. Criteria: Invitae Variant Classification Sherloc (09022015). Collection method: clinical testing. Allele origin: germline.
Comment: This sequence change replaces arginine, which is basic and polar, with lysine, which is basic and polar, at codon 459 of the IFIH1 protein (p.Arg459Lys). This variant is not present in population databases (gnomAD no frequency). This variant has not been reported in the literature in individuals affected with IFIH1-related conditions. ClinVar contains an entry for this variant (Variation ID: 1437073). Invitae Evidence Modeling of protein sequence and biophysical properties (such as structural, functional, and spatial information, amino acid conservation, physicochemical variation, residue mobility, and thermodynamic stability) has been performed for this missense variant. However, the output from this modeling did not meet the statistical confidence thresholds required to predict the impact of this variant on IFIH1 protein function. In summary, the available evidence is currently insufficient to determine the role of this variant in disease. Therefore, it has been classified as a Variant of Uncertain Significance.

Blueprint Genetics
Classification: Likely benign. Last evaluated: 2023-08-30. Review status: criteria provided, single submitter. Criteria: ACMG Guidelines, 2015. Collection method: clinical testing. Allele origin: germline.